The following is an entry in ClinVar:

ClinVar aggregate classification (germline): Uncertain significance (1 of 4 stars; one submission).

Conditions:
MHC class II deficiency. Also called: Bare lymphocyte syndrome 2; BLS, TYPE II. Identifiers: Orphanet 572, MedGen C5447452, MONDO:0008855.

Submission:

Labcorp Genetics (formerly Invitae), Labcorp
Classification: Uncertain significance for MHC class II deficiency. Last evaluated: 2024-01-29. Review status: criteria provided, single submitter. Criteria: Invitae Variant Classification Sherloc (09022015). Collection method: clinical testing. Allele origin: germline.
Comment: This sequence change replaces arginine, which is basic and polar, with glycine, which is neutral and non-polar, at codon 72 of the RFXAP protein (p.Arg72Gly). This variant is not present in population databases (gnomAD no frequency). This variant has not been reported in the literature in individuals affected with RFXAP-related conditions. Advanced modeling of protein sequence and biophysical properties (such as structural, functional, and spatial information, amino acid conservation, physicochemical variation, residue mobility, and thermodynamic stability) performed at Invitae indicates that this missense variant is not expected to disrupt RFXAP protein function with a negative predictive value of 80%. In summary, the available evidence is currently insufficient to determine the role of this variant in disease. Therefore, it has been classified as a Variant of Uncertain Significance.

NM_000538.4(RFXAP):c.214A>G (p.Arg72Gly)

Gene: RFXAP (regulatory factor X associated protein; plus strand). Cytogenetic location: 13q13.3.
Variant type: single nucleotide variant.
Coding change: c.214A>G on transcript NM_000538.4 (MANE Select); coding-DNA position 214, A replaced by G.
Protein change: p.Arg72Gly; replaces arginine 72 with glycine.
Molecular consequence: missense variant.
Genome position (GRCh38, 1-based): chr13:36,819,571, A>G. VCF-style: chr13-36819571-A-G. GRCh37 (hg19) VCF-style: chr13-37393708-A-G.
Other names: short protein forms R72G.
Identifiers: ClinVar variation 2824800 (VCV002824800.2), dbSNP rs2500443013, ClinGen allele CA387853922.